The following is an entry in ClinVar:

ClinVar aggregate classification (germline): Uncertain significance (1 of 4 stars; one submission).

Allele frequency attached by ClinVar (database versions not stated): ExAC 0.00001; TOPMed 0.00002; gnomAD 0.00003.
gnomAD v4.1: 5 of 1,612,240 alleles (0.00031%); highest among the groups gnomAD compares: African/African-American, 0.0053%; no homozygotes.

Submission:

Labcorp Genetics (formerly Invitae), Labcorp
Classification: Uncertain significance. Last evaluated: 2024-05-14. Review status: criteria provided, single submitter. Criteria: Invitae Variant Classification Sherloc (09022015). Collection method: clinical testing. Allele origin: germline.
Comment: This sequence change replaces glycine, which is neutral and non-polar, with cysteine, which is neutral and slightly polar, at codon 57 of the FGF12 protein (p.Gly57Cys). This variant is present in population databases (rs779788156, gnomAD 0.009%). This variant has not been reported in the literature in individuals affected with FGF12-related conditions. ClinVar contains an entry for this variant (Variation ID: 1414689). Advanced modeling of protein sequence and biophysical properties (such as structural, functional, and spatial information, amino acid conservation, physicochemical variation, residue mobility, and thermodynamic stability) performed at Invitae indicates that this missense variant is not expected to disrupt FGF12 protein function with a negative predictive value of 80%. In summary, the available evidence is currently insufficient to determine the role of this variant in disease. Therefore, it has been classified as a Variant of Uncertain Significance.

NM_004113.6(FGF12):c.14-47517G>T

Gene: FGF12 (fibroblast growth factor 12; minus strand). Cytogenetic location: 3q28.
Variant type: single nucleotide variant.
Coding change: c.14-47517G>T on transcript NM_004113.6 (MANE Select); 47517 bases into the intron before coding-DNA position 14, G replaced by T.
Molecular consequence: intron variant. On other transcripts: missense variant (1).
Genome position (GRCh38, 1-based): chr3:192,408,055, C>A on the plus strand (G>T on the coding strand, the complement: FGF12 is on the minus strand). VCF-style: chr3-192408055-C-A. GRCh37 (hg19) VCF-style: chr3-192125844-C-A.
Other names: c.169G>T, p.Gly57Cys (NM_021032.5); c.-59-47517G>T (NM_001377293.1); c.14-72591G>T (NM_001377292.1); c.-60+1457G>T (NM_001377294.1); short protein forms G57C.
Identifiers: ClinVar variation 1414689 (VCV001414689.8), dbSNP rs779788156, ClinGen allele CA2755884.
Genomic context (GRCh38, chr3:192,408,055, plus strand): 5'-GGGGAGCCCACTCTCCGGGCTTCTACTGACCTGGTCTCCGCCTCACCGGCCTCTTGCGGC[C>A]GCTGCAGAAGCGCACTTTGCTGAACACCCCGAGGACGTGCCTCTCGCACAGGGAGCGCCC-3'